The following is an entry in ClinVar:

ClinVar aggregate classification (germline): Uncertain significance (1 of 4 stars; one submission).

Allele frequency attached by ClinVar (database versions not stated): gnomAD exomes below 0.00001.
gnomAD v4.1: 1 of 1,614,096 alleles (0.000062%); highest among the groups gnomAD compares: Non-Finnish European, 0.000085%; no homozygotes.

Submission:

Women's Health and Genetics/Laboratory Corporation of America, LabCorp
Classification: Uncertain significance. Last evaluated: 2024-04-17. Review status: criteria provided, single submitter. Criteria: LabCorp Variant Classification Summary - May 2015. Collection method: clinical testing. Allele origin: germline.
Comment: Variant summary: KMT2A c.8837G>T (p.Ser2946Ile) results in a non-conservative amino acid change in the encoded protein sequence. Four of five in-silico tools predict a damaging effect of the variant on protein function. The variant was absent in 251446 control chromosomes (gnomAD v2.1). The available data on variant occurrences in the general population are insufficient to allow any conclusion about variant significance. To our knowledge, no occurrence of c.8837G>T in individuals affected with Wiedemann-Steiner Syndrome and no experimental evidence demonstrating its impact on protein function have been reported. No submitters have cited clinical-significance assessments for this variant to ClinVar. Based on the evidence outlined above, the variant was classified as uncertain significance.

NM_001197104.2(KMT2A):c.8837G>T (p.Ser2946Ile)

Gene: KMT2A (lysine methyltransferase 2A; plus strand). Cytogenetic location: 11q23.3.
Variant type: single nucleotide variant.
Coding change: c.8837G>T on transcript NM_001197104.2 (MANE Select); coding-DNA position 8837, G replaced by T.
Protein change: p.Ser2946Ile; replaces serine 2946 with isoleucine.
Molecular consequence: missense variant.
Genome position (GRCh38, 1-based): chr11:118,504,729, G>T. VCF-style: chr11-118504729-G-T. GRCh37 (hg19) VCF-style: chr11-118375444-G-T.
Other names: c.8927G>T, p.Ser2976Ile (NM_001412597.1); c.8828G>T, p.Ser2943Ile (NM_005933.4); short protein forms S2943I, S2946I, S2976I.
Identifiers: ClinVar variation 3251904 (VCV003251904.1), dbSNP rs2497012925.